The following is an entry in ClinVar:

NM_001009944.3(PKD1):c.9558C>T (p.His3186=)

Gene: PKD1 (polycystin 1, transient receptor potential channel interacting; minus strand). Cytogenetic location: 16p13.3.
Variant type: single nucleotide variant.
Coding change: c.9558C>T on transcript NM_001009944.3 (MANE Select); coding-DNA position 9558, C replaced by T.
Protein change: p.His3186=; no amino-acid change (histidine 3186 retained).
Molecular consequence: synonymous variant.
Genome position (GRCh38, 1-based): chr16:2,100,406, G>A on the plus strand (C>T on the coding strand, the complement: PKD1 is on the minus strand). VCF-style: chr16-2100406-G-A. GRCh37 (hg19) VCF-style: chr16-2150407-G-A.
Other names: c.9558C>T, p.His3186= (NM_000296.4).
Identifiers: ClinVar variation 4988882 (VCV004988882.1).

ClinVar aggregate classification (germline): Likely benign (1 of 4 stars; one submission).

Conditions:
PKD1-related disorder. Also called: PKD1-related condition.

gnomAD v4.1: 21 of 1,611,280 alleles (0.0013%); highest among the groups gnomAD compares: Middle Eastern, 0.023%; no homozygotes.

Submission:

PreventionGenetics, part of Exact Sciences
Classification: Likely benign for PKD1-related condition. Last evaluated: 2026-09-14. Review status: criteria provided, single submitter. Criteria: ACMG Guidelines, 2015. Collection method: clinical testing. Allele origin: germline.
Comment: This variant is classified as likely benign based on ACMG/AMP sequence variant interpretation guidelines (Richards et al. 2015 PMID: 25741868, with internal and published modifications).